The following is an entry in ClinVar:

ClinVar aggregate classification (germline): Uncertain significance. Review status: criteria provided, multiple submitters, no conflicts (2 of 4 stars). 2 submissions from 2 submitters: Uncertain significance (2). Last evaluated 2024-09-30.

Conditions:
Congenital myasthenic syndrome 8. Also called: MYASTHENIC SYNDROME, CONGENITAL, DUE TO AGRIN DEFICIENCY; Myasthenic syndrome, congenital, 8, with pre- and postsynaptic defects. Identifiers: Orphanet 590, MedGen C3808739, MONDO:0014052, OMIM 615120.
Inborn genetic diseases. Identifiers: MedGen C0950123, MeSH D030342.

Allele frequency attached by ClinVar (database versions not stated): gnomAD exomes 0.00002 and 0.00004; TOPMed 0.00002; gnomAD 0.00003 and 0.00004; ESP Exome Variant Server 0.00008; ExAC 0.00002.
gnomAD v4.1: 68 of 1,613,148 alleles (0.0042%); highest among the groups gnomAD compares: Middle Eastern, 0.016%; no homozygotes.

Submissions (2):

Ambry Genetics
Classification: Uncertain significance for Inborn genetic diseases. Last evaluated: 2024-09-30. Review status: criteria provided, single submitter. Criteria: Ambry Variant Classification Scheme 2023. Collection method: clinical testing. Allele origin: germline.

Labcorp Genetics (formerly Invitae), Labcorp
Classification: Uncertain significance for Congenital myasthenic syndrome 8. Last evaluated: 2022-03-04. Review status: criteria provided, single submitter. Criteria: Invitae Variant Classification Sherloc (09022015). Collection method: clinical testing. Allele origin: germline.
Comment: This sequence change replaces glycine, which is neutral and non-polar, with serine, which is neutral and polar, at codon 680 of the AGRN protein (p.Gly680Ser). In summary, the available evidence is currently insufficient to determine the role of this variant in disease. Therefore, it has been classified as a Variant of Uncertain Significance. Algorithms developed to predict the effect of missense changes on protein structure and function output the following: SIFT: "Tolerated"; PolyPhen-2: "Probably Damaging"; Align-GVGD: "Class C0". The serine amino acid residue is found in multiple mammalian species, which suggests that this missense change does not adversely affect protein function. ClinVar contains an entry for this variant (Variation ID: 578507). This variant has not been reported in the literature in individuals affected with AGRN-related conditions. This variant is present in population databases (rs139983410, gnomAD 0.006%).

NM_198576.4(AGRN):c.2038G>A (p.Gly680Ser)

Gene: AGRN (agrin; plus strand). Cytogenetic location: 1p36.33.
Variant type: single nucleotide variant.
Coding change: c.2038G>A on transcript NM_198576.4 (MANE Select); coding-DNA position 2038, G replaced by A.
Protein change: p.Gly680Ser; replaces glycine 680 with serine.
Molecular consequence: missense variant.
Genome position (GRCh38, 1-based): chr1:1,044,147, G>A. VCF-style: chr1-1044147-G-A. GRCh37 (hg19) VCF-style: chr1-979527-G-A.
Other names: c.2038G>A, p.Gly680Ser (NM_001305275.2); c.1723G>A, p.Gly575Ser (NM_001364727.2); short protein forms G680S, G575S.
Identifiers: ClinVar variation 578507 (VCV000578507.7), dbSNP rs139983410, ClinGen allele CA508449.